The following is an entry in ClinVar:

NM_002225.5(IVD):c.986T>C (p.Met329Thr)

Gene: IVD (isovaleryl-CoA dehydrogenase; plus strand). Cytogenetic location: 15q15.1.
Variant type: single nucleotide variant.
Coding change: c.986T>C on transcript NM_002225.5 (MANE Select); coding-DNA position 986, T replaced by C.
Protein change: p.Met329Thr; replaces methionine 329 with threonine.
Molecular consequence: missense variant. On other transcripts: non-coding transcript variant (1).
Genome position (GRCh38, 1-based): chr15:40,416,103, T>C. VCF-style: chr15-40416103-T-C. GRCh37 (hg19) VCF-style: chr15-40708302-T-C.
Other names: c.896T>C, p.Met299Thr (NM_001159508.3); c.938T>C, p.Met313Thr (NM_001354597.3); c.986T>C, p.Met329Thr (NM_001354598.3, NM_001354601.3); c.1073T>C, p.Met358Thr (NM_001354599.3, NM_001354600.3); c.995T>C (NM_002225.3); short protein forms M299T, M313T, M329T, M358T.
Identifiers: ClinVar variation 2676193 (VCV002676193.4), dbSNP rs1319705053, ClinGen allele CA391722823.

ClinVar aggregate classification (germline): Likely pathogenic. Review status: criteria provided, multiple submitters, no conflicts (2 of 4 stars). 3 submissions from 3 submitters: Likely pathogenic (3). Last evaluated 2025-09-24.

Conditions:
Isovaleryl-CoA dehydrogenase deficiency (IVA). Also called: ISOVALERIC ACID CoA DEHYDROGENASE DEFICIENCY; Isovaleric acidemia; IVD DEFICIENCY; Classic Isovaleric Acidemia. Identifiers: Orphanet 33, MedGen C0268575, MONDO:0009475, OMIM 243500.

Allele frequency attached by ClinVar (database versions not stated): gnomAD 0.00001; TOPMed 0.00001.
gnomAD v4.1: 14 of 1,614,132 alleles (0.00087%); highest among the groups gnomAD compares: African/African-American, 0.0013%; no homozygotes.

Submissions (3):

Natera, Inc.
Classification: Likely pathogenic for Isovaleryl-coa dehydrogenase deficiency. Last evaluated: 2025-09-24. Review status: criteria provided, single submitter. Criteria: Natera Variant Classification Schema (03/2026). Collection method: clinical testing. Allele origin: germline.
Comment: The c.995T>C variant in IVD is a missense variant predicted to cause substitution of methionine to threonine at amino acid 332. This variant is rare in the general population with a frequency below the threshold expected for the associated phenotype(s). This variant has been observed in one or more individuals affected with the associated recessive disease, as either homozygous or compound heterozygous with a second variant (PMID: 24019846, 34535384). Functional studies show that this variant may disrupt protein function (PMID: 34535384). Computational prediction algorithms indicate this variant is likely to affect gene or protein function. Given the available evidence, this variant is classified as Likely Pathogenic.

Baylor Genetics
Classification: Likely pathogenic for Isovaleryl-CoA dehydrogenase deficiency. Last evaluated: 2024-02-28. Review status: criteria provided, single submitter. Criteria: ACMG Guidelines, 2015. Collection method: clinical testing. Allele origin: unknown.

Fulgent Genetics
Classification: Likely pathogenic for Isovaleryl-CoA dehydrogenase deficiency. Last evaluated: 2024-02-05. Review status: criteria provided, single submitter. Criteria: ACMG Guidelines, 2015. Collection method: clinical testing. Allele origin: germline.

Literature cited by the submitters: PubMed 24019846 (cited by Natera, Inc.); PubMed 34535384 (cited by Natera, Inc.).